The following is an entry in ClinVar:

NM_001378454.1(ALMS1):c.10424C>G (p.Ser3475Cys)

Gene: ALMS1 (ALMS1 centrosome and basal body associated protein; plus strand). Cytogenetic location: 2p13.1.
Variant type: single nucleotide variant.
Coding change: c.10424C>G on transcript NM_001378454.1 (MANE Select); coding-DNA position 10424, C replaced by G.
Protein change: p.Ser3475Cys; replaces serine 3475 with cysteine.
Molecular consequence: missense variant.
Genome position (GRCh38, 1-based): chr2:73,572,301, C>G. VCF-style: chr2-73572301-C-G. GRCh37 (hg19) VCF-style: chr2-73799428-C-G.
Other names: c.10427C>G, p.Ser3476Cys (NM_015120.4); short protein forms S3476C, S3475C.
Identifiers: ClinVar variation 2967073 (VCV002967073.1), dbSNP rs1182669241, ClinGen allele CA347282773.

ClinVar aggregate classification (germline): Uncertain significance (1 of 4 stars; one submission).

Conditions:
Alstrom syndrome (ALMS). Identifiers: Orphanet 64, MedGen C0268425, MONDO:0008763, OMIM 203800.

Allele frequency attached by ClinVar (database versions not stated): TOPMed below 0.00001; gnomAD 0.00001.
gnomAD v4.1: 1 of 1,608,178 alleles (0.000062%); highest among the groups gnomAD compares: Non-Finnish European, 0.000085%; no homozygotes.

Submission:

Labcorp Genetics (formerly Invitae), Labcorp
Classification: Uncertain significance for Alstrom syndrome. Last evaluated: 2022-11-24. Review status: criteria provided, single submitter. Criteria: Invitae Variant Classification Sherloc (09022015). Collection method: clinical testing. Allele origin: germline.
Comment: In summary, the available evidence is currently insufficient to determine the role of this variant in disease. Therefore, it has been classified as a Variant of Uncertain Significance. Experimental studies and prediction algorithms are not available or were not evaluated, and the functional significance of this variant is currently unknown. This variant has not been reported in the literature in individuals affected with ALMS1-related conditions. This variant is not present in population databases (gnomAD no frequency). This sequence change replaces serine, which is neutral and polar, with cysteine, which is neutral and slightly polar, at codon 3476 of the ALMS1 protein (p.Ser3476Cys).